The following is an entry in ClinVar:

NM_001330078.2(NRXN1):c.479C>A (p.Pro160Gln)

Gene: NRXN1 (neurexin 1; minus strand). Cytogenetic location: 2p16.3.
Variant type: single nucleotide variant.
Coding change: c.479C>A on transcript NM_001330078.2 (MANE Select); coding-DNA position 479, C replaced by A.
Protein change: p.Pro160Gln; replaces proline 160 with glutamine.
Molecular consequence: missense variant.
Genome position (GRCh38, 1-based): chr2:51,027,795, G>T on the plus strand (C>A on the coding strand, the complement: NRXN1 is on the minus strand). VCF-style: chr2-51027795-G-T. GRCh37 (hg19) VCF-style: chr2-51254933-G-T.
Other names: c.479C>A, p.Pro160Gln (NM_001135659.3, NM_001330077.2, NM_001330079.2 and 15 more transcripts); short protein forms P160Q.
Identifiers: ClinVar variation 3664478 (VCV003664478.2).

ClinVar aggregate classification (germline): Uncertain significance (1 of 4 stars; one submission).

Conditions:
Pitt-Hopkins-like syndrome 2 (PTHSL2). Identifiers: Orphanet 221150, Orphanet 600663, MedGen C3280479, MONDO:0013690, OMIM 614325.

Submission:

Labcorp Genetics (formerly Invitae), Labcorp
Classification: Uncertain significance for Pitt-Hopkins-like syndrome 2. Last evaluated: 2025-03-18. Review status: criteria provided, single submitter. Criteria: Invitae Variant Classification Sherloc (09022015). Collection method: clinical testing. Allele origin: germline.
Comment: This sequence change replaces proline, which is neutral and non-polar, with glutamine, which is neutral and polar, at codon 160 of the NRXN1 protein (p.Pro160Gln). This variant is not present in population databases (gnomAD no frequency). This variant has not been reported in the literature in individuals affected with NRXN1-related conditions. An algorithm developed to predict the effect of missense changes on protein structure and function (PolyPhen-2) suggests that this variant is likely to be tolerated. In summary, the available evidence is currently insufficient to determine the role of this variant in disease. Therefore, it has been classified as a Variant of Uncertain Significance.